The following is an entry in ClinVar:

NM_014822.4(SEC24D):c.1285G>T (p.Asp429Tyr)

Gene: SEC24D (SEC24 homolog D, COPII component; minus strand). Cytogenetic location: 4q26.
Variant type: single nucleotide variant.
Coding change: c.1285G>T on transcript NM_014822.4 (MANE Select); coding-DNA position 1285, G replaced by T.
Protein change: p.Asp429Tyr; replaces aspartic acid 429 with tyrosine.
Molecular consequence: missense variant.
Genome position (GRCh38, 1-based): chr4:118,764,813, C>A on the plus strand (G>T on the coding strand, the complement: SEC24D is on the minus strand). VCF-style: chr4-118764813-C-A. GRCh37 (hg19) VCF-style: chr4-119685968-C-A.
Other names: c.1288G>T, p.Asp430Tyr (NM_001318066.2); c.1285G>T (NM_014822.2); short protein forms D429Y, D430Y.
Identifiers: ClinVar variation 1384804 (VCV001384804.8), dbSNP rs371378788, ClinGen allele CA3057304.

ClinVar aggregate classification (germline): Uncertain significance. Review status: criteria provided, multiple submitters, no conflicts (2 of 4 stars). 2 submissions from 2 submitters: Uncertain significance (2). Last evaluated 2023-03-13.

Conditions:
Inborn genetic diseases. Identifiers: MedGen C0950123, MeSH D030342.

Allele frequency attached by ClinVar (database versions not stated): ExAC 0.00002; TOPMed 0.00002; gnomAD 0.00003 and 0.00004; ESP Exome Variant Server 0.00008.

Submissions (2):

Ambry Genetics
Classification: Uncertain significance for Inborn genetic diseases. Last evaluated: 2023-03-13. Review status: criteria provided, single submitter. Criteria: Ambry Variant Classification Scheme 2023. Collection method: clinical testing. Allele origin: germline.

Labcorp Genetics (formerly Invitae), Labcorp
Classification: Uncertain significance. Last evaluated: 2020-12-28. Review status: criteria provided, single submitter. Criteria: Invitae Variant Classification Sherloc (09022015). Collection method: clinical testing. Allele origin: germline.
Comment: In summary, the available evidence is currently insufficient to determine the role of this variant in disease. Therefore, it has been classified as a Variant of Uncertain Significance. Algorithms developed to predict the effect of missense changes on protein structure and function are either unavailable or do not agree on the potential impact of this missense change (SIFT: "Not Available"; PolyPhen-2: "Probably Damaging"; Align-GVGD: "Not Available"). This variant has not been reported in the literature in individuals with SEC24D-related conditions. This variant is present in population databases (rs371378788, ExAC 0.01%). This sequence change replaces aspartic acid with tyrosine at codon 429 of the SEC24D protein (p.Asp429Tyr). The aspartic acid residue is highly conserved and there is a large physicochemical difference between aspartic acid and tyrosine.